The following is an entry in ClinVar:

ClinVar aggregate classification (germline): Likely benign. Review status: criteria provided, multiple submitters, no conflicts (2 of 4 stars). 3 submissions from 3 submitters: Likely benign (3). Last evaluated 2026-01-13.

Conditions:
Cardiovascular phenotype. Identifiers: MedGen CN230736.

Allele frequency attached by ClinVar (database versions not stated): ExAC 0.00002; gnomAD 0.00006; 1000 Genomes Project 30x 0.00016; 1000 Genomes Project 0.00020.
gnomAD v4.1: 37 of 1,597,642 alleles (0.0023%); highest among the groups gnomAD compares: Admixed American, 0.04%; no homozygotes.

Submissions (3):

Labcorp Genetics (formerly Invitae), Labcorp
Classification: Likely benign. Last evaluated: 2026-01-13. Review status: criteria provided, single submitter. Criteria: Invitae Variant Classification Sherloc (09022015). Collection method: clinical testing. Allele origin: germline.

Mayo Clinic Laboratories, Mayo Clinic
Classification: Likely benign. Last evaluated: 2025-04-28. Review status: criteria provided, single submitter. Criteria: ACMG Guidelines, 2015. Collection method: clinical testing. Allele origin: germline. Observed: 1 variant allele.
Comment: BP4, BP7

Ambry Genetics
Classification: Likely benign for Cardiovascular phenotype. Last evaluated: 2019-09-02. Review status: criteria provided, single submitter. Criteria: Ambry Variant Classification Scheme 2023. Collection method: clinical testing. Allele origin: germline.

NM_001365276.2(TNXB):c.4044T>C (p.Ala1348=)

Gene: TNXB (tenascin XB; minus strand). Cytogenetic location: 6p21.33.
Variant type: single nucleotide variant.
Coding change: c.4044T>C on transcript NM_001365276.2 (MANE Select); coding-DNA position 4044, T replaced by C.
Protein change: p.Ala1348=; no amino-acid change (alanine 1348 retained).
Molecular consequence: synonymous variant.
Genome position (GRCh38, 1-based): chr6:32,079,364, A>G on the plus strand (T>C on the coding strand, the complement: TNXB is on the minus strand). VCF-style: chr6-32079364-A-G. GRCh37 (hg19) VCF-style: chr6-32047141-A-G.
Other names: p.Ala1348=; c.4044T>C, p.Ala1348= (NM_019105.8).
Identifiers: ClinVar variation 1737312 (VCV001737312.4), dbSNP rs571167781, ClinGen allele CA3735044.